The following is an entry in ClinVar:

ClinVar aggregate classification (germline): Likely benign (1 of 4 stars; one submission).

Submission:

CeGaT Center for Human Genetics Tuebingen
Classification: Likely benign. Last evaluated: 2025-08-01. Review status: criteria provided, single submitter. Criteria: CeGaT Center For Human Genetics Tuebingen Variant Classification Criteria Version 2. Collection method: clinical testing. Allele origin: germline. Affected: yes. Observed: 1 variant allele.
Comment: NRXN2: PM2:Supporting, BP4, BP7

NM_015080.4(NRXN2):c.3403+5463G>C

Gene: NRXN2 (neurexin 2; minus strand). Cytogenetic location: 11q13.1.
Variant type: single nucleotide variant.
Coding change: c.3403+5463G>C on transcript NM_015080.4 (MANE Select); 5463 bases into the intron after coding-DNA position 3403, G replaced by C.
Molecular consequence: intron variant. On other transcripts: synonymous variant (1).
Genome position (GRCh38, 1-based): chr11:64,642,756, C>G on the plus strand (G>C on the coding strand, the complement: NRXN2 is on the minus strand). VCF-style: chr11-64642756-C-G. GRCh37 (hg19) VCF-style: chr11-64410228-C-G.
Other names: c.48G>C, p.Pro16= (NM_138734.3); c.3283+5463G>C (NM_138732.3); c.3379+5463G>C (NM_001376266.1); c.3358+5463G>C (NM_001376265.1); c.3382+5463G>C (NM_001376267.1, NM_001376263.1); c.3403+5463G>C (NM_001376262.1); c.-34-156G>C (NM_001400682.1, NM_001400681.1).
Identifiers: ClinVar variation 4083887 (VCV004083887.8).
Genomic context (GRCh38, chr11:64,642,756, plus strand): 5'-CAGCGGCAGCAGAGGTGGCGGCGGCGGCGGTGGAGGCGGCGGCAGGGGCCCAGCCAGGGC[C>G]GGGGGGCGGCGCGGGCACCCCCCCGGCCCGCTCCCCCCGGGGGGCATTTCGGCCCGGGGG-3'